The following is an entry in ClinVar:

NM_000256.3(MYBPC3):c.3431T>C (p.Met1144Thr)

Gene: MYBPC3 (myosin binding protein C3; minus strand). Cytogenetic location: 11p11.2.
Variant type: single nucleotide variant.
Coding change: c.3431T>C on transcript NM_000256.3 (MANE Select); coding-DNA position 3431, T replaced by C.
Protein change: p.Met1144Thr; replaces methionine 1144 with threonine.
Molecular consequence: missense variant.
Genome position (GRCh38, 1-based): chr11:47,332,873, A>G on the plus strand (T>C on the coding strand, the complement: MYBPC3 is on the minus strand). VCF-style: chr11-47332873-A-G. GRCh37 (hg19) VCF-style: chr11-47354424-A-G.
Other names: p.M1144T:ATG>ACG; c.3431T>C, p.Met1144Thr (LRG_386t1); short protein forms M1144T.
Identifiers: ClinVar variation 180920 (VCV000180920.1), dbSNP rs730880529, ClinGen allele CA014156.

ClinVar aggregate classification (germline): Likely benign (1 of 4 stars; one submission).

Allele frequency attached by ClinVar (database versions not stated): gnomAD exomes below 0.00001.

Submission:

GeneDx
Classification: Likely benign. Last evaluated: 2012-08-02. Review status: criteria provided, single submitter. Criteria: GeneDx Variant Classification (06012015). Collection method: clinical testing. Allele origin: germline. Affected: yes.
Comment: This variant is considered likely benign or benign based on one or more of the following criteria: it is a conservative change, it occurs at a poorly conserved position in the protein, it is predicted to be benign by multiple in silico algorithms, and/or has population frequency not consistent with disease.